The following is an entry in ClinVar:

NM_002609.4(PDGFRB):c.2083C>T (p.Arg695Cys)

Gene: PDGFRB (platelet derived growth factor receptor beta; minus strand). Cytogenetic location: 5q32.
Variant type: single nucleotide variant.
Coding change: c.2083C>T on transcript NM_002609.4 (MANE Select); coding-DNA position 2083, C replaced by T.
Protein change: p.Arg695Cys; replaces arginine 695 with cysteine.
Molecular consequence: missense variant.
Genome position (GRCh38, 1-based): chr5:150,123,142, G>A on the plus strand (C>T on the coding strand, the complement: PDGFRB is on the minus strand). VCF-style: chr5-150123142-G-A. GRCh37 (hg19) VCF-style: chr5-149502705-G-A.
Other names: c.1891C>T, p.Arg631Cys (NM_001355016.2); c.1600C>T, p.Arg534Cys (NM_001355017.2); short protein forms R695C, R631C, R534C.
Identifiers: ClinVar variation 135650 (VCV000135650.14), dbSNP rs138008832, ClinGen allele CA211315.

ClinVar aggregate classification (germline): Conflicting classifications of pathogenicity. Review status: criteria provided, conflicting classifications (1 of 4 stars). 6 submissions from 6 submitters: Likely pathogenic (1); Uncertain significance (4). 1 of the submissions does not count toward it. Last evaluated 2025-03-13.

Conditions:
Acroosteolysis-keloid-like lesions-premature aging syndrome. Also called: Premature aging syndrome, Penttinen type; Prematurely aged appearance, delayed bone maturation, acro-osteolysis, and brachydactyly; Progeroid syndrome, Penttinen type. Identifiers: Orphanet 363665, MedGen C1866182, MONDO:0011150, OMIM 601812.
Basal ganglia calcification, idiopathic, 4 (PFBC4). Also called: Familial Idiopathic Basal Ganglia Calcification 4; PRIMARY FAMILIAL BRAIN CALCIFICATION 4, AUTOSOMAL DOMINANT. Identifiers: Orphanet 1980, MedGen C3554321, MONDO:0014004, OMIM 615007.
Infantile myofibromatosis (IMF). Also called: Congenital generalized fibromatosis. Identifiers: Orphanet 2591, MedGen C0432284, MONDO:0016824.
Skeletal overgrowth-craniofacial dysmorphism-hyperelastic skin-white matter lesions syndrome. Also called: SKELETAL OVERGROWTH WITH FACIAL DYSMORPHISM, HYPERELASTIC SKIN, WHITE MATTER LESIONS, AND NEUROLOGIC DETERIORATION; Kosaki overgrowth syndrome. Identifiers: Orphanet 477831, MedGen C4225270, MONDO:0014704, OMIM 616592.
Cerebral palsy. Identifiers: MedGen C0007789, MONDO:0006497, HP:0100021.

Allele frequency attached by ClinVar (database versions not stated): TOPMed 0.00014.
gnomAD v4.1: 343 of 1,613,614 alleles (0.021%); highest among the groups gnomAD compares: Non-Finnish European, 0.026%; no homozygotes.

Submissions (6):

Labcorp Genetics (formerly Invitae), Labcorp
Classification: Uncertain significance for Basal ganglia calcification, idiopathic, 4; Skeletal overgrowth-craniofacial dysmorphism-hyperelastic skin-white matter lesions syndrome; Infantile myofibromatosis; Acroosteolysis-keloid-like lesions-premature aging syndrome. Last evaluated: 2025-03-13. Review status: criteria provided, single submitter. Criteria: Invitae Variant Classification Sherloc (09022015). Collection method: clinical testing. Allele origin: germline.
Comment: This sequence change replaces arginine, which is basic and polar, with cysteine, which is neutral and slightly polar, at codon 695 of the PDGFRB protein (p.Arg695Cys). This variant is present in population databases (rs138008832, gnomAD 0.02%), and has an allele count higher than expected for a pathogenic variant. This missense change has been observed in individual(s) with basal ganglia calcification (PMID: 24796542, 34494111). ClinVar contains an entry for this variant (Variation ID: 135650). Invitae Evidence Modeling of protein sequence and biophysical properties (such as structural, functional, and spatial information, amino acid conservation, physicochemical variation, residue mobility, and thermodynamic stability) indicates that this missense variant is not expected to disrupt PDGFRB protein function with a negative predictive value of 80%. Experimental studies have shown that this missense change affects PDGFRB function (PMID: 24796542, 34494111). In summary, the available evidence is currently insufficient to determine the role of this variant in disease. Therefore, it has been classified as a Variant of Uncertain Significance.

Molecular Genetics, Royal Melbourne Hospital
Classification: Uncertain significance for Basal ganglia calcification, idiopathic, 4. Last evaluated: 2024-05-02. Review status: criteria provided, single submitter. Criteria: ACMG Guidelines, 2015. Collection method: clinical testing. Allele origin: germline. Inheritance: Autosomal dominant inheritance.

GeneDx
Classification: Uncertain significance. Last evaluated: 2023-08-01. Review status: criteria provided, single submitter. Criteria: GeneDx Variant Classification Process June 2021. Collection method: clinical testing. Allele origin: germline. Affected: yes.
Comment: Reported as a variant of uncertain significance in an individual with Alzheimer's disease (Lenglez et al., 2021); In silico analysis supports that this missense variant has a deleterious effect on protein structure/function; This variant is associated with the following publications: (PMID: 26599395, 27776010, 25212438, 25686613, 28935882, 28298627, 24796542, 34494111, 31004414, 30805583, 29152850, Kaya_2023, 36469195, 33449152)

Neurogenetics Research Program, University of Adelaide
Classification: Likely pathogenic for Cerebral palsy. Last evaluated: 2021-06-10. Review status: criteria provided, single submitter. Criteria: ACMG Guidelines, 2015. Collection method: research. Allele origin: maternal. Affected: yes. Observed: 1 variant allele.

CENTOGENE GmbH and LLC - Guiding Precision Medicine
Classification: Uncertain significance for Basal ganglia calcification, idiopathic, 4. Last evaluated: 2019-04-15. Review status: criteria provided, single submitter. Criteria: ACMG Guidelines, 2015. Collection method: clinical testing. Allele origin: germline. Affected: yes.

Rademakers Lab, Mayo Clinic
Classification: Likely pathogenic for Basal ganglia calcification, idiopathic, 4. Last evaluated: 2012-01-01. Review status: no assertion criteria provided. Collection method: research. Allele origin: somatic. Affected: yes. Observed: 1 variant allele. Not counted in ClinVar's aggregate classification.
Comment: Risk allele was found to induce deficient protein function in cell culture

mutation causing partial loss of function of polypeptide

Genetic screening of a Basal Ganglia calcification series

Literature cited by the submitters: PubMed 24796542 (cited by Labcorp Genetics (formerly Invitae), Labcorp and Rademakers Lab, Mayo Clinic); PubMed 34494111 (cited by Labcorp Genetics (formerly Invitae), Labcorp); PubMed 31064749 (cited by Neurogenetics Research Program, University of Adelaide).